The following is an entry in ClinVar:

ClinVar aggregate classification (germline): Likely pathogenic (1 of 4 stars; one submission).

Conditions:
Silver-russell syndrome 4. Identifiers: MedGen C5394450, MONDO:0030118, OMIM 618907.

Submission:

3billion
Classification: Likely pathogenic for Silver-russell syndrome 4. Last evaluated: 2023-10-10. Review status: criteria provided, single submitter. Criteria: ACMG Guidelines, 2015. Collection method: clinical testing. Allele origin: germline. Affected: yes.
Comment: The variant is not observed in the gnomAD v2.1.1 dataset. Predicted Consequence/Location: Stop-gained (nonsense): predicted to result in a loss or disruption of normal protein function through protein truncation. Multiple pathogenic variants are reported in the predicted truncated region. Therefore, this variant is classified as Likely pathogenic according to the recommendation of ACMG/AMP guideline.

NM_002655.3(PLAG1):c.199C>T (p.Gln67Ter)

Gene: PLAG1 (PLAG1 zinc finger; minus strand). Cytogenetic location: 8q12.1.
Variant type: single nucleotide variant.
Coding change: c.199C>T on transcript NM_002655.3 (MANE Select); coding-DNA position 199, C replaced by T.
Protein change: p.Gln67Ter; replaces glutamine 67 with a stop codon.
Molecular consequence: nonsense. On other transcripts: intron variant (1).
Genome position (GRCh38, 1-based): chr8:56,168,071, G>A on the plus strand (C>T on the coding strand, the complement: PLAG1 is on the minus strand). VCF-style: chr8-56168071-G-A. GRCh37 (hg19) VCF-style: chr8-57080630-G-A.
Other names: c.199C>T, p.Gln67Ter (NM_001114634.2); c.-4-568C>T (NM_001114635.2); short protein forms Q67*.
Identifiers: ClinVar variation 3775171 (VCV003775171.1).
Genomic context (GRCh38, chr8:56,168,071, plus strand): 5'-CAAATAGAGTTTAATACCTTTGTAATTTGTACTTAGAAACAAAGGCCTTGGTGCAGTCTT[G>A]TTGTATGCACTTGTAGGGCCTCTCTCCTGTGTGAGAGTAGGAGTGAACCTTTAATTTCTC-3'